The following is an entry in ClinVar:

ClinVar aggregate classification (germline): Uncertain significance (1 of 4 stars; one submission).

Conditions:
Hereditary spastic paraplegia 73. Also called: Spastic paraplegia 73, autosomal dominant. Identifiers: Orphanet 444099, MedGen C5568981, MONDO:0014568, OMIM 616282.

gnomAD v4.1: 13 of 1,613,756 alleles (0.00081%); highest among the groups gnomAD compares: South Asian, 0.0033%; no homozygotes.

Submission:

Labcorp Genetics (formerly Invitae), Labcorp
Classification: Uncertain significance for Hereditary spastic paraplegia 73. Last evaluated: 2023-10-03. Review status: criteria provided, single submitter. Criteria: Invitae Variant Classification Sherloc (09022015). Collection method: clinical testing. Allele origin: germline.
Comment: This sequence change replaces arginine, which is basic and polar, with leucine, which is neutral and non-polar, at codon 778 of the CPT1C protein (p.Arg778Leu). This variant is present in population databases (no rsID available, gnomAD 0.007%). This variant has not been reported in the literature in individuals affected with CPT1C-related conditions. ClinVar contains an entry for this variant (Variation ID: 2039272). An algorithm developed to predict the effect of missense changes on protein structure and function (PolyPhen-2) suggests that this variant is likely to be tolerated. In summary, the available evidence is currently insufficient to determine the role of this variant in disease. Therefore, it has been classified as a Variant of Uncertain Significance.

NM_001199753.2(CPT1C):c.2366G>T (p.Arg789Leu)

Gene: CPT1C (carnitine palmitoyltransferase 1C; plus strand). Cytogenetic location: 19q13.33.
Variant type: single nucleotide variant.
Coding change: c.2366G>T on transcript NM_001199753.2 (MANE Select); coding-DNA position 2366, G replaced by T.
Protein change: p.Arg789Leu; replaces arginine 789 with leucine.
Molecular consequence: missense variant. On other transcripts: non-coding transcript variant (1).
Genome position (GRCh38, 1-based): chr19:49,713,559, G>T. VCF-style: chr19-49713559-G-T. GRCh37 (hg19) VCF-style: chr19-50216816-G-T.
Other names: c.2198G>T, p.Arg733Leu (NM_001378487.1); c.2231G>T, p.Arg744Leu (NM_001378488.1, NM_001378486.1); c.2366G>T, p.Arg789Leu (NM_152359.3, NM_001199752.3, NM_001378483.1 and 1 more transcripts); c.2333G>T, p.Arg778Leu (NM_001136052.3, NM_001378485.1); c.2432G>T, p.Arg811Leu (NM_001378482.1); short protein forms R778L, R733L, R744L, R789L, R811L.
Identifiers: ClinVar variation 2039272 (VCV002039272.4), dbSNP rs545963319, ClinGen allele CA406910832.
Genomic context (GRCh38, chr19:49,713,559, plus strand): 5'-AGCGCCGGTTCAGAGGGTCAGGGAAGGAGAACTCCAGGCACAGGTGTGGATTTCTCTCCC[G>T]CCAGACTGGGGCCTCCAAGGCCTCAATGACATCCACCGACTTCTGACTCCTTCCAGCAGG-3'
Protein context (NP_001186682.1, residues 779-799): NSRHRCGFLS[Arg789Leu]QTGASKASMT